The following is an entry in ClinVar:

NM_001184.4(ATR):c.4113C>A (p.Phe1371Leu)

Gene: ATR (ATR checkpoint kinase; minus strand). Cytogenetic location: 3q23.
Variant type: single nucleotide variant.
Coding change: c.4113C>A on transcript NM_001184.4 (MANE Select); coding-DNA position 4113, C replaced by A.
Protein change: p.Phe1371Leu; replaces phenylalanine 1371 with leucine.
Molecular consequence: missense variant.
Genome position (GRCh38, 1-based): chr3:142,524,032, G>T on the plus strand (C>A on the coding strand, the complement: ATR is on the minus strand). VCF-style: chr3-142524032-G-T. GRCh37 (hg19) VCF-style: chr3-142242874-G-T.
Other names: c.3921C>A, p.Phe1307Leu (NM_001354579.2); short protein forms F1307L, F1371L.
Identifiers: ClinVar variation 1737943 (VCV001737943.3), dbSNP rs2473265021, ClinGen allele CA354802190.

ClinVar aggregate classification (germline): Uncertain significance (1 of 4 stars; one submission).

Conditions:
Inborn genetic diseases. Identifiers: MedGen C0950123, MeSH D030342.

Submission:

Ambry Genetics
Classification: Uncertain significance for Inborn genetic diseases. Last evaluated: 2024-04-19. Review status: criteria provided, single submitter. Criteria: Ambry Variant Classification Scheme 2023. Collection method: clinical testing. Allele origin: germline.
Comment: The p.F1371L variant (also known as c.4113C>A), located in coding exon 22 of the ATR gene, results from a C to A substitution at nucleotide position 4113. The phenylalanine at codon 1371 is replaced by leucine, an amino acid with highly similar properties. This amino acid position is conserved. In addition, this alteration is predicted to be tolerated by in silico analysis. Since supporting evidence is limited at this time, the clinical significance of this alteration remains unclear.